The following is an entry in ClinVar:

NM_021625.5(TRPV4):c.733G>T (p.Ala245Ser)

Gene: TRPV4 (transient receptor potential cation channel subfamily V member 4; minus strand). Cytogenetic location: 12q24.11.
Variant type: single nucleotide variant.
Coding change: c.733G>T on transcript NM_021625.5 (MANE Select); coding-DNA position 733, G replaced by T.
Protein change: p.Ala245Ser; replaces alanine 245 with serine.
Molecular consequence: missense variant. On other transcripts: intron variant (2).
Genome position (GRCh38, 1-based): chr12:109,800,738, C>A on the plus strand (G>T on the coding strand, the complement: TRPV4 is on the minus strand). VCF-style: chr12-109800738-C-A. GRCh37 (hg19) VCF-style: chr12-110238543-C-A.
Other names: c.631G>T, p.Ala211Ser (NM_001177431.2); c.733G>T, p.Ala245Ser (NM_147204.3); c.713-1826G>T (NM_001177433.1, NM_001177428.1); short protein forms A211S, A245S.
Identifiers: ClinVar variation 2963333 (VCV002963333.3), dbSNP rs761829753, ClinGen allele CA6780440.
Genomic context (GRCh38, chr12:109,800,738, plus strand): 5'-GGACATCAGCTCCCTGGGCCACGAGAAGTTCCACGTAGTGTTTGCAGCGACGCTCAATGG[C>A]GATGTGCAGGGCTGTCTGACCTGGGGGCAGGGGACGGTCATCCAGGGTCCTGGCGGAGCA-3'
Protein context (NP_067638.3, residues 235-255): YYRGQTALHI[Ala245Ser]IERRCKHYVE

ClinVar aggregate classification (germline): Uncertain significance (1 of 4 stars; one submission).

Conditions:
Charcot-Marie-Tooth disease axonal type 2C (HMSN2C). Also called: CHARCOT-MARIE-TOOTH DISEASE, AXONAL, AUTOSOMAL DOMINANT, TYPE 2C; Charcot-Marie-Tooth Neuropathy Type 2C; Charcot-Marie-Tooth Disease Type 2, TRPV4-Related (CMT2C). Identifiers: Orphanet 99937, MedGen C1853710, MONDO:0011633, OMIM 606071.

Allele frequency attached by ClinVar (database versions not stated): ExAC 0.00002.
gnomAD v4.1: 9 of 1,613,218 alleles (0.00056%); highest among the groups gnomAD compares: Non-Finnish European, 0.00076%; no homozygotes.

Submission:

Labcorp Genetics (formerly Invitae), Labcorp
Classification: Uncertain significance for Charcot-Marie-Tooth disease axonal type 2C. Last evaluated: 2023-06-20. Review status: criteria provided, single submitter. Criteria: Invitae Variant Classification Sherloc (09022015). Collection method: clinical testing. Allele origin: germline.
Comment: This variant has not been reported in the literature in individuals affected with TRPV4-related conditions. Advanced modeling of protein sequence and biophysical properties (such as structural, functional, and spatial information, amino acid conservation, physicochemical variation, residue mobility, and thermodynamic stability) performed at Invitae indicates that this missense variant is not expected to disrupt TRPV4 protein function. In summary, the available evidence is currently insufficient to determine the role of this variant in disease. Therefore, it has been classified as a Variant of Uncertain Significance. This variant is present in population databases (rs761829753, gnomAD 0.002%). This sequence change replaces alanine, which is neutral and non-polar, with serine, which is neutral and polar, at codon 245 of the TRPV4 protein (p.Ala245Ser).